The following is an entry in ClinVar:

NM_001286577.2(C2CD3):c.464A>G (p.Lys155Arg)

Gene: C2CD3 (C2 domain containing 3 centriole elongation regulator; minus strand). Cytogenetic location: 11q13.4.
Variant type: single nucleotide variant.
Coding change: c.464A>G on transcript NM_001286577.2 (MANE Select); coding-DNA position 464, A replaced by G.
Protein change: p.Lys155Arg; replaces lysine 155 with arginine.
Molecular consequence: missense variant.
Genome position (GRCh38, 1-based): chr11:74,161,418, T>C on the plus strand (A>G on the coding strand, the complement: C2CD3 is on the minus strand). VCF-style: chr11-74161418-T-C. GRCh37 (hg19) VCF-style: chr11-73872463-T-C.
Other names: c.464A>G, p.Lys155Arg (NM_015531.6); short protein forms K155R.
Identifiers: ClinVar variation 1946784 (VCV001946784.6), dbSNP rs111283673, ClinGen allele CA6183225.

ClinVar aggregate classification (germline): Uncertain significance (1 of 4 stars; one submission).

Allele frequency attached by ClinVar (database versions not stated): TOPMed below 0.00001; ExAC 0.00001; gnomAD exomes 0.00001.
gnomAD v4.1: 12 of 1,583,956 alleles (0.00076%); highest among the groups gnomAD compares: East Asian, 0.0023%; no homozygotes.

Submissions (2):

Labcorp Genetics (formerly Invitae), Labcorp
Classification: Uncertain significance. Last evaluated: 2022-02-11. Review status: criteria provided, single submitter. Criteria: Invitae Variant Classification Sherloc (09022015). Collection method: clinical testing. Allele origin: germline.
Comment: This sequence change replaces lysine, which is basic and polar, with arginine, which is basic and polar, at codon 155 of the C2CD3 protein (p.Lys155Arg). In summary, the available evidence is currently insufficient to determine the role of this variant in disease. Therefore, it has been classified as a Variant of Uncertain Significance. Algorithms developed to predict the effect of sequence changes on RNA splicing suggest that this variant may create or strengthen a splice site. Algorithms developed to predict the effect of missense changes on protein structure and function output the following: SIFT: "Tolerated"; PolyPhen-2: "Benign"; Align-GVGD: "Class C0". The arginine amino acid residue is found in multiple mammalian species, which suggests that this missense change does not adversely affect protein function. This variant has not been reported in the literature in individuals affected with C2CD3-related conditions. This variant is present in population databases (rs111283673, gnomAD 0.001%).

Dr. Peter K. Rogan Lab, Western University
No classification provided (evidence only). Condition: Thyroid cancer, nonmedullary, 1. Review status: no classification provided. Collection method: in vitro. Allele origin: not applicable. Functional consequence: skipped exon. Not counted in ClinVar's aggregate classification.